The following is an entry in ClinVar:

ClinVar aggregate classification (germline): Likely benign (0 of 4 stars; one submission).

Conditions:
NFIX-related disorder. Also called: NFIX-related condition.

Allele frequency attached by ClinVar (database versions not stated): gnomAD exomes below 0.00001; ExAC 0.00001; gnomAD 0.00001; ESP Exome Variant Server 0.00008.
gnomAD v4.1: 5 of 1,613,924 alleles (0.00031%); highest among the groups gnomAD compares: East Asian, 0.0022%; no homozygotes.

Submission:

PreventionGenetics, part of Exact Sciences
Classification: Likely benign for NFIX-related condition. Last evaluated: 2021-01-05. Review status: no assertion criteria provided. Collection method: clinical testing. Allele origin: germline.
Comment: This variant is classified as likely benign based on ACMG/AMP sequence variant interpretation guidelines (Richards et al. 2015 PMID: 25741868, with internal and published modifications).

NM_001365902.3(NFIX):c.72C>T (p.Arg24=)

Gene: NFIX (nuclear factor I X; plus strand). Cytogenetic location: 19p13.13.
Variant type: single nucleotide variant.
Coding change: c.72C>T on transcript NM_001365902.3 (MANE Select); coding-DNA position 72, C replaced by T.
Protein change: p.Arg24=; no amino-acid change (arginine 24 retained).
Molecular consequence: synonymous variant. On other transcripts: 5 prime UTR variant (1).
Genome position (GRCh38, 1-based): chr19:13,025,065, C>T. VCF-style: chr19-13025065-C-T. GRCh37 (hg19) VCF-style: chr19-13135879-C-T.
Other names: c.96C>T, p.Arg32= (NM_001271043.2); c.48C>T, p.Arg16= (NM_001271044.3, NM_001378404.1); c.72C>T, p.Arg24= (NM_001365982.2, NM_002501.4); c.-70C>T (NM_001365983.2); c.69C>T, p.Arg23= (NM_001365984.2, NM_001365985.2); c.120C>T, p.Arg40= (NM_001378405.1).
Identifiers: ClinVar variation 3029907 (VCV003029907.2), dbSNP rs368774795, ClinGen allele CA9236943.